The following is an entry in ClinVar:

NC_000023.10:g.(?_32429849)_(32614013_?)del

Gene: DMD (dystrophin; minus strand). Cytogenetic location: Xp21.1.
Variant type: Deletion.
Identifiers: ClinVar variation 1458239 (VCV001458239.6).

ClinVar aggregate classification (germline): Pathogenic (1 of 4 stars; one submission).

Conditions:
Duchenne muscular dystrophy (DMD). Also called: Duchenne Muscular Dystrophy (DMD); MUSCULAR DYSTROPHY, PSEUDOHYPERTROPHIC PROGRESSIVE, DUCHENNE TYPE. Identifiers: Orphanet 98896, MedGen C0013264, MONDO:0010679, OMIM 310200.

Submission:

Labcorp Genetics (formerly Invitae), Labcorp
Classification: Pathogenic for Duchenne muscular dystrophy. Last evaluated: 2022-08-12. Review status: criteria provided, single submitter. Criteria: Invitae Variant Classification Sherloc (09022015). Collection method: clinical testing. Allele origin: germline.
Comment: A similar copy number variant has been observed in individual(s) with Becker muscular dystrophy (PMID: 22776072). This variant is a gross deletion of the genomic region encompassing exon(s) 13-30 of the DMD gene. This variant would be expected to be in-frame, preserving the integrity of the reading frame. For these reasons, this variant has been classified as Pathogenic. The region of the DMD gene that includes exon(s) 13 has been determined to be clinically significant (PMID: 18353051, 22379338, 28116794, 28610567). Therefore, deletions that encompass that region are likely to be disease-causing.

Literature cited by the submitters: PubMed 22776072; PubMed 18353051; PubMed 22379338; PubMed 28116794; PubMed 28610567.